The following is an entry in ClinVar:

NM_002691.4(POLD1):c.2413A>G (p.Ser805Gly)

Gene: POLD1 (DNA polymerase delta 1, catalytic subunit; plus strand). Cytogenetic location: 19q13.33.
Variant type: single nucleotide variant.
Coding change: c.2413A>G on transcript NM_002691.4 (MANE Select); coding-DNA position 2413, A replaced by G.
Protein change: p.Ser805Gly; replaces serine 805 with glycine.
Molecular consequence: missense variant. On other transcripts: non-coding transcript variant (1).
Genome position (GRCh38, 1-based): chr19:50,414,839, A>G. VCF-style: chr19-50414839-A-G. GRCh37 (hg19) VCF-style: chr19-50918096-A-G.
Other names: c.2413A>G, p.Ser805Gly (NM_001256849.1); c.2491A>G, p.Ser831Gly (NM_001308632.1); short protein forms S805G, S831G.
Identifiers: ClinVar variation 1790911 (VCV001790911.2), dbSNP rs2514047107, ClinGen allele CA406984598.

ClinVar aggregate classification (germline): Uncertain significance (1 of 4 stars; one submission).

Conditions:
Hereditary cancer-predisposing syndrome. Also called: Hereditary Cancer Syndrome; Hereditary neoplastic syndrome; Tumor predisposition; Neoplastic Syndromes, Hereditary. Identifiers: Orphanet 140162, MedGen C0027672, MeSH D009386, MONDO:0015356.

Submission:

Ambry Genetics
Classification: Uncertain significance for Hereditary cancer-predisposing syndrome. Last evaluated: 2022-01-08. Review status: criteria provided, single submitter. Criteria: Ambry Variant Classification Scheme 2023. Collection method: clinical testing. Allele origin: germline.
Comment: The p.S805G variant (also known as c.2413A>G), located in coding exon 19 of the POLD1 gene, results from an A to G substitution at nucleotide position 2413. The serine at codon 805 is replaced by glycine, an amino acid with similar properties. This amino acid position is conserved. In addition, this alteration is predicted to be tolerated by in silico analysis. Since supporting evidence is limited at this time, the clinical significance of this alteration remains unclear.